The following is an entry in ClinVar:

NM_001367624.2(ZNF469):c.757G>A (p.Ala253Thr)

Gene: ZNF469 (zinc finger protein 469; plus strand). Cytogenetic location: 16q24.2.
Variant type: single nucleotide variant.
Coding change: c.757G>A on transcript NM_001367624.2 (MANE Select); coding-DNA position 757, G replaced by A.
Protein change: p.Ala253Thr; replaces alanine 253 with threonine.
Molecular consequence: missense variant.
Genome position (GRCh38, 1-based): chr16:88,428,227, G>A. VCF-style: chr16-88428227-G-A. GRCh37 (hg19) VCF-style: chr16-88494635-G-A.
Other names: NM_001127464.1:c.757G>A; short protein forms A253T.
Identifiers: ClinVar variation 1444379 (VCV001444379.6), dbSNP rs750372510, ClinGen allele CA8224624.

ClinVar aggregate classification (germline): Conflicting classifications of pathogenicity. Review status: criteria provided, conflicting classifications (1 of 4 stars). 4 submissions from 4 submitters: Uncertain significance (3); Likely benign (1). Last evaluated 2025-05-06.

Conditions:
Cardiovascular phenotype. Identifiers: MedGen CN230736.

Allele frequency attached by ClinVar (database versions not stated): TOPMed 0.00002; ExAC 0.00006.
gnomAD v4.1: 42 of 1,550,274 alleles (0.0027%); highest among the groups gnomAD compares: Admixed American, 0.014%; no homozygotes.

Submissions (4):

Women's Health and Genetics/Laboratory Corporation of America, LabCorp
Classification: Uncertain significance. Last evaluated: 2025-05-06. Review status: criteria provided, single submitter. Criteria: LabCorp Variant Classification Summary - May 2015. Collection method: clinical testing. Allele origin: germline.
Comment: Variant summary: ZNF469 c.757G>A (p.Ala253Thr) results in a non-conservative amino acid change in the encoded protein sequence. Algorithms developed to predict the effect of missense changes on protein structure and function are either unavailable or do not agree on the potential impact of this missense change. The variant allele was found at a frequency of 6.6e-05 in 151058 control chromosomes. This frequency is not significantly higher than estimated for a pathogenic variant in ZNF469 causing Brittle cornea syndrome 1, allowing no conclusion about variant significance. To our knowledge, no occurrence of c.757G>A in individuals affected with Brittle cornea syndrome 1 and no experimental evidence demonstrating its impact on protein function have been reported. ClinVar contains an entry for this variant (Variation ID: 1444379). Based on the evidence outlined above, the variant was classified as uncertain significance.

Ambry Genetics
Classification: Likely benign for Cardiovascular phenotype. Last evaluated: 2024-11-21. Review status: criteria provided, single submitter. Criteria: Ambry Variant Classification Scheme 2023. Collection method: clinical testing. Allele origin: germline.

GeneDx
Classification: Uncertain significance. Last evaluated: 2024-10-22. Review status: criteria provided, single submitter. Criteria: GeneDx Variant Classification Process June 2021. Collection method: clinical testing. Allele origin: germline. Affected: yes.
Comment: In silico analysis supports that this missense variant does not alter protein structure/function; Has not been previously published as pathogenic or benign to our knowledge

Labcorp Genetics (formerly Invitae), Labcorp
Classification: Uncertain significance. Last evaluated: 2022-06-04. Review status: criteria provided, single submitter. Criteria: Invitae Variant Classification Sherloc (09022015). Collection method: clinical testing. Allele origin: germline.
Comment: This sequence change replaces alanine, which is neutral and non-polar, with threonine, which is neutral and polar, at codon 253 of the ZNF469 protein (p.Ala253Thr). This variant is present in population databases (rs750372510, gnomAD 0.01%). This variant has not been reported in the literature in individuals affected with ZNF469-related conditions. ClinVar contains an entry for this variant (Variation ID: 1444379). Algorithms developed to predict the effect of missense changes on protein structure and function output the following: SIFT: "Tolerated"; PolyPhen-2: "Benign"; Align-GVGD: "Class C0". The threonine amino acid residue is found in multiple mammalian species, which suggests that this missense change does not adversely affect protein function. In summary, the available evidence is currently insufficient to determine the role of this variant in disease. Therefore, it has been classified as a Variant of Uncertain Significance.